The following is an entry in ClinVar:

ClinVar aggregate classification (germline): Conflicting classifications of pathogenicity. Review status: criteria provided, conflicting classifications (1 of 4 stars). 2 submissions from 2 submitters: Pathogenic (1); Uncertain significance (1). Last evaluated 2024-11-06.

Conditions:
Juvenile polyposis syndrome (JPS). Identifiers: Orphanet 2929, MedGen C0345893, MONDO:0017380, OMIM 174900.
Hereditary cancer-predisposing syndrome. Also called: Hereditary neoplastic syndrome; Tumor predisposition; Neoplastic Syndromes, Hereditary; Hereditary Cancer Syndrome. Identifiers: Orphanet 140162, MedGen C0027672, MeSH D009386, MONDO:0015356.

Submissions (2):

Labcorp Genetics (formerly Invitae), Labcorp
Classification: Uncertain significance for Juvenile polyposis syndrome. Last evaluated: 2024-11-06. Review status: criteria provided, single submitter. Criteria: Invitae Variant Classification Sherloc (09022015). Collection method: clinical testing. Allele origin: germline.
Comment: This sequence change replaces cysteine, which is neutral and slightly polar, with arginine, which is basic and polar, at codon 130 of the BMPR1A protein (p.Cys130Arg). This variant is not present in population databases (gnomAD no frequency). This missense change has been observed in individual(s) with clinical features of BMPR1A-related conditions (PMID: 12136244, 32778766, 36049049). ClinVar contains an entry for this variant (Variation ID: 429088). Invitae Evidence Modeling incorporating data from in vitro experimental studies (internal data) indicates that this missense variant is expected to disrupt BMPR1A function with a positive predictive value of 95%. In summary, the available evidence is currently insufficient to determine the role of this variant in disease. Therefore, it has been classified as a Variant of Uncertain Significance.

Ambry Genetics
Classification: Pathogenic for Hereditary cancer-predisposing syndrome. Last evaluated: 2012-03-19. Review status: criteria provided, single submitter. Criteria: Ambry Autosomal Dominant and X-Linked criteria (10/2015). Collection method: clinical testing. Allele origin: germline. Observed: 1 variant allele.
Comment: The p.C130R pathogenic mutation (also known as c.388T>C), located in coding exon 4 of the BMPR1A gene, results from a T to C substitution at nucleotide position 388. The cysteine at codon 130 is replaced by arginine, an amino acid with highly dissimilar properties.In one study, p.C130R was detected in an individual with familial juvenilepolyposis. Themissensemutation targeted acysteineresidue in a highly conservedectodomainof theTGF&beta;receptor family, and this domain was known to be involved in disulfide bridge 6. Thus, authors concluded that p.C130R was very likely to result in conformational changes with functional consequences (Friedlet al. Hum Genet 2002 Jul;111(1): 108-11; Kirsch et al. NatStructBiol2000 Jun; 7(6): 492-6). In another study, this mutation was detected in a juvenilepolyposispatient and was considered pathogenic due to its location in thecysteine-richregion of the extracellular domain. There were multiple other mutations found in this region indicating hotspot (Howe et al. J Med Genet 2004 Jul; 41(7): 484-91). Based on protein sequence alignment, this amino acid position is highly conserved. In addition, this alteration is predicted to be probably damaging and deleterious byPolyphenand SIFT insilicoanalyses, respectively. Based on the majority of available evidence to date, p.C130R is classified as a pathogenic mutation.

Literature cited by the submitters: PubMed 12136244 (cited by Labcorp Genetics (formerly Invitae), Labcorp); PubMed 32778766 (cited by Labcorp Genetics (formerly Invitae), Labcorp); PubMed 36049049 (cited by Labcorp Genetics (formerly Invitae), Labcorp).

NM_004329.3(BMPR1A):c.388T>C (p.Cys130Arg)

Gene: BMPR1A (bone morphogenetic protein receptor type 1A; plus strand). Cytogenetic location: 10q23.2.
Variant type: single nucleotide variant.
Coding change: c.388T>C on transcript NM_004329.3 (MANE Select); coding-DNA position 388, T replaced by C.
Protein change: p.Cys130Arg; replaces cysteine 130 with arginine.
Molecular consequence: missense variant.
Genome position (GRCh38, 1-based): chr10:86,899,848, T>C. VCF-style: chr10-86899848-T-C. GRCh37 (hg19) VCF-style: chr10-88659605-T-C.
Other names: short protein forms C130R.
Identifiers: ClinVar variation 429088 (VCV000429088.5), dbSNP rs1131691168, ClinGen allele CA377449596.